The following is an entry in ClinVar:

ClinVar aggregate classification (germline): Uncertain significance (1 of 4 stars; one submission).

Conditions:
Cardiovascular phenotype. Identifiers: MedGen CN230736.

gnomAD v4.1: 2 of 1,613,806 alleles (0.00012%); highest among the groups gnomAD compares: Non-Finnish European, 0.00017%; no homozygotes.

Submission:

Ambry Genetics
Classification: Uncertain significance for Cardiovascular phenotype. Last evaluated: 2023-08-28. Review status: criteria provided, single submitter. Criteria: Ambry Variant Classification Scheme 2023. Collection method: clinical testing. Allele origin: germline.
Comment: The p.C1194G variant (also known as c.3580T>G), located in coding exon 26 of the LAMA4 gene, results from a T to G substitution at nucleotide position 3580. The cysteine at codon 1194 is replaced by glycine, an amino acid with highly dissimilar properties. This amino acid position is highly conserved in available vertebrate species. In addition, this alteration is predicted to be deleterious by in silico analysis. Since supporting evidence is limited at this time, the clinical significance of this alteration remains unclear.

NM_001105206.3(LAMA4):c.3601T>G (p.Cys1201Gly)

Gene: LAMA4 (laminin subunit alpha 4; minus strand). Cytogenetic location: 6q21.
Variant type: single nucleotide variant.
Coding change: c.3601T>G on transcript NM_001105206.3 (MANE Select); coding-DNA position 3601, T replaced by G.
Protein change: p.Cys1201Gly; replaces cysteine 1201 with glycine.
Molecular consequence: missense variant.
Genome position (GRCh38, 1-based): chr6:112,133,444, A>C on the plus strand (T>G on the coding strand, the complement: LAMA4 is on the minus strand). VCF-style: chr6-112133444-A-C. GRCh37 (hg19) VCF-style: chr6-112454646-A-C.
Other names: c.3580T>G, p.Cys1194Gly (NM_001105207.3, NM_002290.5); short protein forms C1201G, C1194G.
Identifiers: ClinVar variation 1732898 (VCV001732898.3), dbSNP rs1779159322, ClinGen allele CA365375643.